The following is an entry in ClinVar:

NM_181523.3(PIK3R1):c.616A>G (p.Met206Val)

Gene: PIK3R1 (phosphoinositide-3-kinase regulatory subunit 1; plus strand). Cytogenetic location: 5q13.1.
Variant type: single nucleotide variant.
Coding change: c.616A>G on transcript NM_181523.3 (MANE Select); coding-DNA position 616, A replaced by G.
Protein change: p.Met206Val; replaces methionine 206 with valine.
Molecular consequence: missense variant.
Genome position (GRCh38, 1-based): chr5:68,279,715, A>G. VCF-style: chr5-68279715-A-G. GRCh37 (hg19) VCF-style: chr5-67575543-A-G.
Other names: short protein forms M206V.
Identifiers: ClinVar variation 1424244 (VCV001424244.8), dbSNP rs773185995, ClinGen allele CA3290085.

ClinVar aggregate classification (germline): Uncertain significance (1 of 4 stars; one submission).

Conditions:
Immunodeficiency 36 with lymphoproliferation. Also called: ACTIVATED PI3K-DELTA SYNDROME 2; Immunodeficiency 36; Activated PI3K Delta Syndrome Type 2 (APDS2). Identifiers: Orphanet 397596, Orphanet 693681, MedGen C4014934, MONDO:0014453, OMIM 616005.
SHORT syndrome. Also called: LIPODYSTROPHY, PARTIAL, WITH RIEGER ANOMALY AND SHORT STATURE; PIK3R1-Related SHORT Syndrome; SHORT STATURE, HYPEREXTENSIBILITY, HERNIA, OCULAR DEPRESSION, RIEGER ANOMALY, AND TEETHING DELAY. Identifiers: Orphanet 3163, MedGen C0878684, MONDO:0010026, OMIM 269880.
Agammaglobulinemia 7, autosomal recessive (AGM7). Also called: AGAMMAGLOBULINEMIA, AUTOSOMAL RECESSIVE, DUE TO PIK3R1 DEFECT. Identifiers: MedGen C3554689, MONDO:0014083, OMIM 615214.

Allele frequency attached by ClinVar (database versions not stated): TOPMed below 0.00001; gnomAD 0.00001; gnomAD exomes 0.00001 and 0.00002; ExAC 0.00002.
gnomAD v4.1: 20 of 1,614,040 alleles (0.0012%); highest among the groups gnomAD compares: Non-Finnish European, 0.0016%; no homozygotes.

Submission:

Labcorp Genetics (formerly Invitae), Labcorp
Classification: Uncertain significance for SHORT syndrome; Immunodeficiency 36 with lymphoproliferation; Agammaglobulinemia 7, autosomal recessive. Last evaluated: 2025-11-18. Review status: criteria provided, single submitter. Criteria: Invitae Variant Classification Sherloc (09022015). Collection method: clinical testing. Allele origin: germline.
Comment: This sequence change replaces methionine, which is neutral and non-polar, with valine, which is neutral and non-polar, at codon 206 of the PIK3R1 protein (p.Met206Val). This variant is present in population databases (rs773185995, gnomAD 0.005%). This variant has not been reported in the literature in individuals affected with PIK3R1-related conditions. ClinVar contains an entry for this variant (Variation ID: 1424244). An algorithm developed to predict the effect of missense changes on protein structure and function (PolyPhen-2) suggests that this variant is likely to be tolerated. In summary, the available evidence is currently insufficient to determine the role of this variant in disease. Therefore, it has been classified as a Variant of Uncertain Significance.